The following is an entry in ClinVar:

NM_018699.4(PRDM5):c.1241G>T (p.Arg414Leu)

Gene: PRDM5 (PR/SET domain 5; minus strand). Cytogenetic location: 4q27.
Variant type: single nucleotide variant.
Coding change: c.1241G>T on transcript NM_018699.4 (MANE Select); coding-DNA position 1241, G replaced by T.
Protein change: p.Arg414Leu; replaces arginine 414 with leucine.
Molecular consequence: missense variant.
Genome position (GRCh38, 1-based): chr4:120,785,039, C>A on the plus strand (G>T on the coding strand, the complement: PRDM5 is on the minus strand). VCF-style: chr4-120785039-C-A. GRCh37 (hg19) VCF-style: chr4-121706194-C-A.
Other names: p.Arg414Leu; c.1148G>T, p.Arg383Leu (NM_001300823.2, NM_001300824.2, NM_001379106.1); c.1274G>T, p.Arg425Leu (NM_001379104.1); c.1241G>T (NM_018699.3); short protein forms R383L, R414L, R425L.
Identifiers: ClinVar variation 1176169 (VCV001176169.43), dbSNP rs753113187, ClinGen allele CA3061108.

ClinVar aggregate classification (germline): Uncertain significance. Review status: criteria provided, multiple submitters, no conflicts (2 of 4 stars). 5 submissions from 5 submitters: Uncertain significance (5). Last evaluated 2025-09-14.

Conditions:
Cardiovascular phenotype. Identifiers: MedGen CN230736.

gnomAD v4.1: 17 of 1,611,464 alleles (0.0011%); highest among the groups gnomAD compares: Non-Finnish European, 0.0014%; no homozygotes.

Submissions (5):

Mayo Clinic Laboratories, Mayo Clinic
Classification: Uncertain significance. Last evaluated: 2025-09-14. Review status: criteria provided, single submitter. Criteria: ACMG Guidelines, 2015. Collection method: clinical testing. Allele origin: germline. Observed: 1 variant allele.
Comment: BP4, PM2_supporting

Ambry Genetics
Classification: Uncertain significance for Cardiovascular phenotype. Last evaluated: 2024-10-15. Review status: criteria provided, single submitter. Criteria: Ambry Variant Classification Scheme 2023. Collection method: clinical testing. Allele origin: germline.
Comment: The p.R414L variant (also known as c.1241G>T), located in coding exon 11 of the PRDM5 gene, results from a G to T substitution at nucleotide position 1241. The arginine at codon 414 is replaced by leucine, an amino acid with dissimilar properties. This amino acid position is conserved. In addition, this alteration is predicted to be tolerated by in silico analysis. Since supporting evidence is limited at this time, the clinical significance of this alteration remains unclear.

Labcorp Genetics (formerly Invitae), Labcorp
Classification: Uncertain significance. Last evaluated: 2021-09-24. Review status: criteria provided, single submitter. Criteria: Invitae Variant Classification Sherloc (09022015). Collection method: clinical testing. Allele origin: germline.
Comment: This sequence change replaces arginine with leucine at codon 414 of the PRDM5 protein (p.Arg414Leu). The arginine residue is highly conserved and there is a moderate physicochemical difference between arginine and leucine. This variant is present in population databases (rs753113187, ExAC 0.005%). This variant has not been reported in the literature in individuals with PRDM5-related conditions. Algorithms developed to predict the effect of missense changes on protein structure and function (SIFT, PolyPhen-2, Align-GVGD) all suggest that this variant is likely to be disruptive, but these predictions have not been confirmed by published functional studies and their clinical significance is uncertain. In summary, the available evidence is currently insufficient to determine the role of this variant in disease. Therefore, it has been classified as a Variant of Uncertain Significance.

CeGaT Center for Human Genetics Tuebingen
Classification: Uncertain significance. Last evaluated: 2021-06-01. Review status: criteria provided, single submitter. Criteria: CeGaT Center For Human Genetics Tuebingen Variant Classification Criteria Version 2. Collection method: clinical testing. Allele origin: germline. Affected: yes. Observed: 1 variant allele.

GeneDx
Classification: Uncertain significance. Last evaluated: 2019-05-30. Review status: criteria provided, single submitter. Criteria: GeneDx Variant Classification Process June 2021. Collection method: clinical testing. Allele origin: germline. Affected: yes.
Comment: Has not been previously published as pathogenic or benign to our knowledge; Not observed at a significant frequency in large population cohorts (Lek et al., 2016); In silico analysis, which includes protein predictors and evolutionary conservation, supports a deleterious effect